The following is an entry in ClinVar:

ClinVar aggregate classification (germline): Uncertain significance. Review status: criteria provided, multiple submitters, no conflicts (2 of 4 stars). 2 submissions from 2 submitters: Uncertain significance (2). Last evaluated 2025-12-17.

gnomAD v4.1: 2 of 1,614,132 alleles (0.00012%); highest among the groups gnomAD compares: Non-Finnish European, 0.000085%; no homozygotes.

Submissions (2):

Mayo Clinic Laboratories, Mayo Clinic
Classification: Uncertain significance. Last evaluated: 2025-12-17. Review status: criteria provided, single submitter. Criteria: ACMG Guidelines, 2015. Collection method: clinical testing. Allele origin: germline. Observed: 1 variant allele.
Comment: BP4, BP5, PM2_supporting

Women's Health and Genetics/Laboratory Corporation of America, LabCorp
Classification: Uncertain significance. Last evaluated: 2025-11-14. Review status: criteria provided, single submitter. Criteria: LabCorp Variant Classification Summary - May 2015. Collection method: clinical testing. Allele origin: germline.

NM_001267550.2(TTN):c.6154G>A (p.Ala2052Thr)

Gene: TTN (titin; minus strand). Cytogenetic location: 2q31.2.
Variant type: single nucleotide variant.
Coding change: c.6154G>A on transcript NM_001267550.2 (MANE Select); coding-DNA position 6154, G replaced by A.
Protein change: p.Ala2052Thr; replaces alanine 2052 with threonine.
Molecular consequence: missense variant.
Genome position (GRCh38, 1-based): chr2:178,775,710, C>T on the plus strand (G>A on the coding strand, the complement: TTN is on the minus strand). VCF-style: chr2-178775710-C-T. GRCh37 (hg19) VCF-style: chr2-179640437-C-T.
Other names: p.Ala2052Thr; c.6154G>A, p.Ala2052Thr (NM_001256850.1, NM_133378.4, NM_133379.5); c.6016G>A, p.Ala2006Thr (NM_003319.4, NM_133432.3, NM_133437.4); short protein forms A2006T, A2052T.
Identifiers: ClinVar variation 4536676 (VCV004536676.2).